The following is an entry in ClinVar:

ClinVar aggregate classification (germline): Uncertain significance (1 of 4 stars; one submission).

Conditions:
Epileptic encephalopathy. Identifiers: MedGen C0543888, HP:0200134.

gnomAD v4.1: 1 of 1,612,292 alleles (0.000062%); highest among the groups gnomAD compares: Middle Eastern, 0.017%; no homozygotes.

Submission:

Labcorp Genetics (formerly Invitae), Labcorp
Classification: Uncertain significance for Epileptic encephalopathy. Last evaluated: 2023-12-06. Review status: criteria provided, single submitter. Criteria: Invitae Variant Classification Sherloc (09022015). Collection method: clinical testing. Allele origin: germline.
Comment: This sequence change replaces aspartic acid, which is acidic and polar, with glutamic acid, which is acidic and polar, at codon 542 of the FASN protein (p.Asp542Glu). This variant is not present in population databases (gnomAD no frequency). This variant has not been reported in the literature in individuals affected with FASN-related conditions. ClinVar contains an entry for this variant (Variation ID: 1431732). Algorithms developed to predict the effect of missense changes on protein structure and function output the following: SIFT: "Not Available"; PolyPhen-2: "Benign"; Align-GVGD: "Not Available". The glutamic acid amino acid residue is found in multiple mammalian species, which suggests that this missense change does not adversely affect protein function. In summary, the available evidence is currently insufficient to determine the role of this variant in disease. Therefore, it has been classified as a Variant of Uncertain Significance.

NM_004104.5(FASN):c.1626C>G (p.Asp542Glu)

Gene: FASN (fatty acid synthase; minus strand). Cytogenetic location: 17q25.3.
Variant type: single nucleotide variant.
Coding change: c.1626C>G on transcript NM_004104.5 (MANE Select); coding-DNA position 1626, C replaced by G.
Protein change: p.Asp542Glu; replaces aspartic acid 542 with glutamic acid.
Molecular consequence: missense variant.
Genome position (GRCh38, 1-based): chr17:82,090,936, G>C on the plus strand (C>G on the coding strand, the complement: FASN is on the minus strand). VCF-style: chr17-82090936-G-C. GRCh37 (hg19) VCF-style: chr17-80048812-G-C.
Other names: short protein forms D542E.
Identifiers: ClinVar variation 1431732 (VCV001431732.6), dbSNP rs142807582, ClinGen allele CA401560059.